The following is an entry in ClinVar:

ClinVar aggregate classification (germline): Uncertain significance. Review status: criteria provided, multiple submitters, no conflicts (2 of 4 stars). 3 submissions from 3 submitters: Uncertain significance (3). Last evaluated 2025-11-08.

Conditions:
Inborn genetic diseases. Identifiers: MedGen C0950123, MeSH D030342.
Aortic valve disease 2 (AOVD2). Identifiers: MedGen C3542024, MONDO:0013902, OMIM 614823.

Allele frequency attached by ClinVar (database versions not stated): gnomAD exomes 0.00002; ExAC 0.00003; TOPMed 0.00004; gnomAD 0.00006 and 0.00007.
gnomAD v4.1: 79 of 1,613,214 alleles (0.0049%); highest among the groups gnomAD compares: Non-Finnish European, 0.0061%; no homozygotes.

Submissions (3):

Labcorp Genetics (formerly Invitae), Labcorp
Classification: Uncertain significance for Aortic valve disease 2. Last evaluated: 2025-11-08. Review status: criteria provided, single submitter. Criteria: Invitae Variant Classification Sherloc (09022015). Collection method: clinical testing. Allele origin: germline.
Comment: This sequence change replaces aspartic acid, which is acidic and polar, with asparagine, which is neutral and polar, at codon 286 of the SMAD6 protein (p.Asp286Asn). This variant is present in population databases (rs759918873, gnomAD 0.004%). This missense change has been observed in individual(s) with bicuspid aortic valve (PMID: 39226896). ClinVar contains an entry for this variant (Variation ID: 1315783). Invitae Evidence Modeling of protein sequence and biophysical properties (such as structural, functional, and spatial information, amino acid conservation, physicochemical variation, residue mobility, and thermodynamic stability) indicates that this missense variant is not expected to disrupt SMAD6 protein function with a negative predictive value of 80%. In summary, the available evidence is currently insufficient to determine the role of this variant in disease. Therefore, it has been classified as a Variant of Uncertain Significance.

Ambry Genetics
Classification: Uncertain significance for Inborn genetic diseases. Last evaluated: 2023-02-28. Review status: criteria provided, single submitter. Criteria: Ambry Variant Classification Scheme 2023. Collection method: clinical testing. Allele origin: germline.

GeneDx
Classification: Uncertain significance. Last evaluated: 2021-01-14. Review status: criteria provided, single submitter. Criteria: GeneDx Variant Classification Process June 2021. Collection method: clinical testing. Allele origin: germline. Affected: yes.
Comment: Has not been previously published as pathogenic or benign to our knowledge; Not observed at a significant frequency in large population cohorts (Lek et al., 2016); In silico analysis supports that this missense variant does not alter protein structure/function

Literature cited by the submitters: PubMed 39226896 (cited by Labcorp Genetics (formerly Invitae), Labcorp).

NM_005585.5(SMAD6):c.856G>A (p.Asp286Asn)

Gene: SMAD6 (SMAD family member 6; plus strand). Cytogenetic location: 15q22.31.
Variant type: single nucleotide variant.
Coding change: c.856G>A on transcript NM_005585.5 (MANE Select); coding-DNA position 856, G replaced by A.
Protein change: p.Asp286Asn; replaces aspartic acid 286 with asparagine.
Molecular consequence: missense variant. On other transcripts: non-coding transcript variant (1).
Genome position (GRCh38, 1-based): chr15:66,711,706, G>A. VCF-style: chr15-66711706-G-A. GRCh37 (hg19) VCF-style: chr15-67004044-G-A.
Other names: short protein forms D286N.
Identifiers: ClinVar variation 1315783 (VCV001315783.9), dbSNP rs759918873, ClinGen allele CA7626594.
Genomic context (GRCh38, chr15:66,711,706, plus strand): 5'-CATGCTGTCTCCTGTCTTCCAGAATCTCCGCCACCTCCCTACTCTCGGCTGTCTCCTCGC[G>A]ACGAGTACAAGCCACTGGGTAAGTGTGCCCTCCTTCCTACCCTTGCAGAGGTGTGTCCCG-3'
Protein context (NP_005576.3, residues 276-296): PPPYSRLSPR[Asp286Asn]EYKPLDLSDS